The following is an entry in ClinVar:

ClinVar aggregate classification (germline): Uncertain significance. Review status: criteria provided, multiple submitters, no conflicts (2 of 4 stars). 3 submissions from 3 submitters: Uncertain significance (3). Last evaluated 2025-11-17.

Conditions:
Inborn genetic diseases. Identifiers: MedGen C0950123, MeSH D030342.
Angelman syndrome (AS). Also called: HAPPY PUPPET SYNDROME. Identifiers: Orphanet 72, MedGen C0162635, MONDO:0007113, OMIM 105830. Disease mechanism: loss of function. Inheritance: AS is caused by disruption of maternally imprinted UBE3A located within the 15q11.2-q13 Angelman syndrome/Prader-Willi syndrome (AS/PWS) region., imprinting disorder.

Allele frequency attached by ClinVar (database versions not stated): gnomAD exomes below 0.00001 and 0.00001; ExAC 0.00001; TOPMed 0.00002.
gnomAD v4.1: 12 of 1,613,926 alleles (0.00074%); highest among the groups gnomAD compares: African/African-American, 0.016%; no homozygotes.

Submissions (3):

Labcorp Genetics (formerly Invitae), Labcorp
Classification: Uncertain significance for Angelman syndrome. Last evaluated: 2025-11-17. Review status: criteria provided, single submitter. Criteria: Invitae Variant Classification Sherloc (09022015). Collection method: clinical testing. Allele origin: germline.
Comment: This sequence change replaces lysine, which is basic and polar, with asparagine, which is neutral and polar, at codon 170 of the UBE3A protein (p.Lys170Asn). This variant is present in population databases (rs780715298, gnomAD 0.01%). This variant has not been reported in the literature in individuals affected with UBE3A-related conditions. ClinVar contains an entry for this variant (Variation ID: 528366). Invitae Evidence Modeling of protein sequence and biophysical properties (such as structural, functional, and spatial information, amino acid conservation, physicochemical variation, residue mobility, and thermodynamic stability) has been performed for this missense variant. However, the output from this modeling did not meet the statistical confidence thresholds required to predict the impact of this variant on UBE3A protein function. In summary, the available evidence is currently insufficient to determine the role of this variant in disease. Therefore, it has been classified as a Variant of Uncertain Significance.

Ambry Genetics
Classification: Uncertain significance for Inborn genetic diseases. Last evaluated: 2024-10-06. Review status: criteria provided, single submitter. Criteria: Ambry Variant Classification Scheme 2023. Collection method: clinical testing. Allele origin: germline.

GeneDx
Classification: Uncertain significance. Last evaluated: 2022-02-24. Review status: criteria provided, single submitter. Criteria: GeneDx Variant Classification Process June 2021. Collection method: clinical testing. Allele origin: germline. Affected: yes.
Comment: In silico analysis supports that this missense variant does not alter protein structure/function; Has not been previously published as pathogenic or benign to our knowledge

NM_130839.5(UBE3A):c.570G>T (p.Lys190Asn)

Genes: SNHG14 (small nucleolar RNA host gene 14; plus strand), UBE3A (ubiquitin protein ligase E3A; minus strand). Cytogenetic location: 15q11.2.
Variant type: single nucleotide variant.
Coding change: c.570G>T on transcript NM_130839.5 (MANE Select); coding-DNA position 570, G replaced by T.
Protein change: p.Lys190Asn; replaces lysine 190 with asparagine.
Molecular consequence: missense variant. On other transcripts: non-coding transcript variant (1), intron variant (2).
Genome position (GRCh38, 1-based): chr15:25,371,604, C>A on the plus strand (G>T on the coding strand, the complement: UBE3A is on the minus strand). VCF-style: chr15-25371604-C-A. GRCh37 (hg19) VCF-style: chr15-25616751-C-A.
Other names: c.579G>T, p.Lys193Asn (NM_000462.5); c.570G>T, p.Lys190Asn (NM_001354505.1, NM_001354538.2, NM_001354545.2); c.510G>T, p.Lys170Asn (NM_001354506.2, NM_001354507.2, NM_001354508.2 and 17 more transcripts); c.393G>T, p.Lys131Asn (NM_001354546.2); c.301+3861G>T (NM_001354551.2); c.361+3861G>T (NM_001354550.2); short protein forms K170N, K193N, K131N, K190N.
Identifiers: ClinVar variation 528366 (VCV000528366.12), dbSNP rs780715298, ClinGen allele CA7435622.
Genomic context (GRCh38, chr15:25,371,604, plus strand): 5'-CCTTGAGGAAGATGCTTCTGAGTCTTCTTCCATAGCAGCAGCAGAACATGCAGCTTTTTC[C>A]TTTTCATCTTCATCTTTGTCTTCATCTTTTGCTTGAAGAGATTTCAGTTCTTCCTTGGTG-3'
Protein context (NP_570854.1, residues 180-200): AKDEDKDEDE[Lys190Asn]EKAACSAAAM